The following is an entry in ClinVar:

ClinVar aggregate classification (germline): Uncertain significance (1 of 4 stars; one submission).

Submission:

Labcorp Genetics (formerly Invitae), Labcorp
Classification: Uncertain significance. Last evaluated: 2023-10-30. Review status: criteria provided, single submitter. Criteria: Invitae Variant Classification Sherloc (09022015). Collection method: clinical testing. Allele origin: germline.
Comment: This sequence change replaces isoleucine, which is neutral and non-polar, with valine, which is neutral and non-polar, at codon 3090 of the SRCAP protein (p.Ile3090Val). This variant is not present in population databases (gnomAD no frequency). This variant has not been reported in the literature in individuals affected with SRCAP-related conditions. Advanced modeling of protein sequence and biophysical properties (such as structural, functional, and spatial information, amino acid conservation, physicochemical variation, residue mobility, and thermodynamic stability) performed at Invitae indicates that this missense variant is not expected to disrupt SRCAP protein function with a negative predictive value of 80%. In summary, the available evidence is currently insufficient to determine the role of this variant in disease. Therefore, it has been classified as a Variant of Uncertain Significance.

NM_006662.3(SRCAP):c.9268A>G (p.Ile3090Val)

Gene: SRCAP (Snf2 related CREBBP activator protein; plus strand). Cytogenetic location: 16p11.2.
Variant type: single nucleotide variant.
Coding change: c.9268A>G on transcript NM_006662.3 (MANE Select); coding-DNA position 9268, A replaced by G.
Protein change: p.Ile3090Val; replaces isoleucine 3090 with valine.
Molecular consequence: missense variant.
Genome position (GRCh38, 1-based): chr16:30,739,308, A>G. VCF-style: chr16-30739308-A-G. GRCh37 (hg19) VCF-style: chr16-30750629-A-G.
Other names: short protein forms I3090V.
Identifiers: ClinVar variation 2766110 (VCV002766110.3), dbSNP rs2543431293, ClinGen allele CA395643865.